The following is an entry in ClinVar:

ClinVar aggregate classification (germline): Benign. Review status: criteria provided, multiple submitters, no conflicts (2 of 4 stars). 10 submissions from 10 submitters: Benign (8). 2 of the submissions do not count toward it. Last evaluated 2026-02-03.

Conditions:
Pseudohypoaldosteronism type 2C (PHA2C). Also called: Pseudohypoaldosteronism Type IIC. Identifiers: Orphanet 757, Orphanet 88940, MedGen C1840391, MONDO:0013778, OMIM 614492.
Neuropathy, hereditary sensory and autonomic, type 2A (HSAN2A). Also called: ACROOSTEOLYSIS, GIACCAI TYPE; ACROOSTEOLYSIS, NEUROGENIC; MORVAN DISEASE; NEUROPATHY, CONGENITAL SENSORY; NEUROPATHY, HEREDITARY SENSORY RADICULAR, AUTOSOMAL RECESSIVE; NEUROPATHY, HEREDITARY SENSORY, TYPE IIA. Identifiers: Orphanet 970, MedGen C2752089, MONDO:0024309, OMIM 201300.

Allele frequency attached by ClinVar (database versions not stated): ESP Exome Variant Server 0.10780; gnomAD exomes 0.11632; ExAC 0.11833; TOPMed 0.09817; 1000 Genomes Project 30x 0.09900; gnomAD 0.09932 and 0.10214; 1000 Genomes Project 0.10104.
gnomAD v4.1: 208,362 of 1,583,204 alleles (13%); highest among the groups gnomAD compares: South Asian, 17%; 14,580 homozygotes.

Submissions (10):

Labcorp Genetics (formerly Invitae), Labcorp
Classification: Benign for Neuropathy, hereditary sensory and autonomic, type 2A; Pseudohypoaldosteronism type 2C. Last evaluated: 2026-02-03. Review status: criteria provided, single submitter. Criteria: Invitae Variant Classification Sherloc (09022015). Collection method: clinical testing. Allele origin: germline.

Blueprint Genetics
Classification: Benign. Last evaluated: 2024-11-27. Review status: criteria provided, single submitter. Criteria: ACMG Guidelines, 2015. Collection method: clinical testing. Allele origin: germline.

Mayo Clinic Laboratories, Mayo Clinic
Classification: Benign. Last evaluated: 2022-03-09. Review status: criteria provided, single submitter. Criteria: ACMG Guidelines, 2015. Collection method: clinical testing. Allele origin: germline. Observed: 599 variant alleles.

Illumina Laboratory Services, Illumina
Classification: Benign for Pseudohypoaldosteronism type 2C. Last evaluated: 2018-01-12. Review status: criteria provided, single submitter. Criteria: ICSL Variant Classification Criteria 13 December 2019. Collection method: clinical testing. Allele origin: germline.
Comment: This variant was observed in the ICSL laboratory as part of a predisposition screen in an ostensibly healthy population. It had not been previously curated by ICSL or reported in the Human Gene Mutation Database (HGMD: prior to June 1st, 2018), and was therefore a candidate for classification through an automated scoring system. Utilizing variant allele frequency, disease prevalence and penetrance estimates, and inheritance mode, an automated score was calculated to assess if this variant is too frequent to cause the disease. Based on the score and internal cut-off values, a variant classified as benign is not then subjected to further curation. The score for this variant resulted in a classification of benign for this disease.

Athena Diagnostics
Classification: Benign for Neuropathy, hereditary sensory and autonomic, type 2A. Last evaluated: 2017-06-09. Review status: criteria provided, single submitter. Criteria: Athena Diagnostics Criteria. Collection method: clinical testing. Allele origin: germline.

GeneDx
Classification: Benign. Last evaluated: 2015-03-03. Review status: criteria provided, single submitter. Criteria: GeneDx Variant Classification Process June 2021. Collection method: clinical testing. Allele origin: germline. Affected: yes.

Breakthrough Genomics
Classification: Benign. Review status: criteria provided, single submitter. Criteria: ACMG Guidelines, 2015. Collection method: not provided. Allele origin: germline. Inheritance: Autosomal recessive inheritance. Affected: yes.

PreventionGenetics, part of Exact Sciences
Classification: Benign. Review status: criteria provided, single submitter. Criteria: ACMG Guidelines, 2015. Collection method: clinical testing. Allele origin: germline.

Clinical Genetics, Academic Medical Center
Classification: Benign. Review status: no assertion criteria provided. Collection method: clinical testing. Allele origin: germline. Affected: yes. Study: VKGL Data-share Consensus. Not counted in ClinVar's aggregate classification.

Joint Genome Diagnostic Labs from Nijmegen and Maastricht, Radboudumc and MUMC+
Classification: Benign. Review status: no assertion criteria provided. Collection method: clinical testing. Allele origin: germline. Affected: yes. Study: VKGL Data-share Consensus. Not counted in ClinVar's aggregate classification.

NM_018979.4(WNK1):c.3489+4C>T

Gene: WNK1 (WNK lysine deficient protein kinase 1; plus strand). Cytogenetic location: 12p13.33.
Variant type: single nucleotide variant.
Coding change: c.3489+4C>T on transcript NM_018979.4 (MANE Select); 4 bases into the intron after coding-DNA position 3489, C replaced by T.
Molecular consequence: intron variant.
Genome position (GRCh38, 1-based): chr12:883,063, C>T. VCF-style: chr12-883063-C-T. GRCh37 (hg19) VCF-style: chr12-992229-C-T.
Other names: p.?; c.4245+4C>T (NM_213655.5); c.4269+4C>T (NM_001184985.2); c.2748+4C>T (NM_014823.3).
Identifiers: ClinVar variation 261071 (VCV000261071.23), dbSNP rs34032084, ClinGen allele CA6382769.